The following is an entry in ClinVar:

ClinVar aggregate classification (germline): Uncertain significance (1 of 4 stars; one submission).

Conditions:
Autosomal recessive limb-girdle muscular dystrophy type 2A (LGMDR1). Also called: Muscular dystrophy, limb-girdle, type 2A, Amish; LEYDEN-MOEBIUS MUSCULAR DYSTROPHY; MUSCULAR DYSTROPHY, PELVOFEMORAL; Limb-girdle muscular dystrophy, type 2A; Calpainopathy. Identifiers: Orphanet 267, MedGen C1869123, MONDO:0009675, OMIM 253600. Disease mechanism: loss of function.

gnomAD v4.1: 1 of 1,614,180 alleles (0.000062%); no homozygotes.

Submission:

Labcorp Genetics (formerly Invitae), Labcorp
Classification: Uncertain significance for Autosomal recessive limb-girdle muscular dystrophy type 2A. Last evaluated: 2023-04-10. Review status: criteria provided, single submitter. Criteria: Invitae Variant Classification Sherloc (09022015). Collection method: clinical testing. Allele origin: germline.
Comment: In summary, the available evidence is currently insufficient to determine the role of this variant in disease. Therefore, it has been classified as a Variant of Uncertain Significance. Advanced modeling of protein sequence and biophysical properties (such as structural, functional, and spatial information, amino acid conservation, physicochemical variation, residue mobility, and thermodynamic stability) performed at Invitae indicates that this missense variant is not expected to disrupt CAPN3 protein function. This variant has not been reported in the literature in individuals affected with CAPN3-related conditions. This variant is not present in population databases (gnomAD no frequency). This sequence change replaces valine, which is neutral and non-polar, with aspartic acid, which is acidic and polar, at codon 573 of the CAPN3 protein (p.Val573Asp).

NM_000070.3(CAPN3):c.1718T>A (p.Val573Asp)

Gene: CAPN3 (calpain 3; plus strand). Cytogenetic location: 15q15.1.
Variant type: single nucleotide variant.
Coding change: c.1718T>A on transcript NM_000070.3 (MANE Select); coding-DNA position 1718, T replaced by A.
Protein change: p.Val573Asp; replaces valine 573 with aspartic acid.
Molecular consequence: missense variant.
Genome position (GRCh38, 1-based): chr15:42,402,975, T>A. VCF-style: chr15-42402975-T-A. GRCh37 (hg19) VCF-style: chr15-42695173-T-A.
Other names: c.1718T>A, p.Val573Asp (NM_024344.2); c.1574T>A, p.Val525Asp (NM_173087.2); c.182T>A, p.Val61Asp (NM_173088.2); c.*834T>A (NM_212464.2); c.*1411T>A (NM_212467.2); short protein forms V525D, V61D, V573D.
Identifiers: ClinVar variation 2808575 (VCV002808575.3), dbSNP rs2548279587, ClinGen allele CA392000448.